The following is an entry in ClinVar:

ClinVar aggregate classification (germline): Uncertain significance (1 of 4 stars; one submission).

Conditions:
Tyrosinemia type I (TYRSN1). Also called: Tyrosinemia type 1; Fumarylacetoacetase deficiency; FAH DEFICIENCY; Deficiency of fumarylacetoacetase; HEPATORENAL TYROSINEMIA. Identifiers: Orphanet 882, MedGen C0268490, MONDO:0010161, OMIM 276700. Disease mechanism: loss of function.

Allele frequency attached by ClinVar (database versions not stated): TOPMed 0.00003.
gnomAD v4.1: 36 of 1,613,786 alleles (0.0022%); highest among the groups gnomAD compares: East Asian, 0.0089%; no homozygotes.

Submission:

Labcorp Genetics (formerly Invitae), Labcorp
Classification: Uncertain significance for Tyrosinemia type I. Last evaluated: 2021-11-14. Review status: criteria provided, single submitter. Criteria: Invitae Variant Classification Sherloc (09022015). Collection method: clinical testing. Allele origin: germline.
Comment: This sequence change replaces alanine, which is neutral and non-polar, with valine, which is neutral and non-polar, at codon 311 of the FAH protein (p.Ala311Val). This variant is present in population databases (rs529709868, gnomAD 0.01%). This variant has not been reported in the literature in individuals affected with FAH-related conditions. Advanced modeling of protein sequence and biophysical properties (such as structural, functional, and spatial information, amino acid conservation, physicochemical variation, residue mobility, and thermodynamic stability) performed at Invitae indicates that this missense variant is not expected to disrupt FAH protein function. Algorithms developed to predict the effect of sequence changes on RNA splicing suggest that this variant may create or strengthen a splice site. In summary, the available evidence is currently insufficient to determine the role of this variant in disease. Therefore, it has been classified as a Variant of Uncertain Significance.

NM_000137.4(FAH):c.932C>T (p.Ala311Val)

Gene: FAH (fumarylacetoacetate hydrolase; plus strand). Cytogenetic location: 15q25.1.
Variant type: single nucleotide variant.
Coding change: c.932C>T on transcript NM_000137.4 (MANE Select); coding-DNA position 932, C replaced by T.
Protein change: p.Ala311Val; replaces alanine 311 with valine.
Molecular consequence: missense variant.
Genome position (GRCh38, 1-based): chr15:80,177,555, C>T. VCF-style: chr15-80177555-C-T. GRCh37 (hg19) VCF-style: chr15-80469897-C-T.
Other names: c.932C>T, p.Ala311Val (NM_001374377.1, NM_001374380.1); short protein forms A311V.
Identifiers: ClinVar variation 1520017 (VCV001520017.3), dbSNP rs529709868, ClinGen allele CA7691404.